The following is an entry in ClinVar:

NM_002582.4(PARN):c.643C>T (p.Gln215Ter)

Gene: PARN (poly(A)-specific ribonuclease; minus strand). Cytogenetic location: 16p13.12.
Variant type: single nucleotide variant.
Coding change: c.643C>T on transcript NM_002582.4 (MANE Select); coding-DNA position 643, C replaced by T.
Protein change: p.Gln215Ter; replaces glutamine 215 with a stop codon.
Molecular consequence: nonsense.
Genome position (GRCh38, 1-based): chr16:14,608,297, G>A on the plus strand (C>T on the coding strand, the complement: PARN is on the minus strand). VCF-style: chr16-14608297-G-A. GRCh37 (hg19) VCF-style: chr16-14702154-G-A.
Other names: c.505C>T, p.Gln169Ter (NM_001242992.2); c.460C>T, p.Gln154Ter (NM_001134477.3); short protein forms Q154*, Q169*, Q215*.
Identifiers: ClinVar variation 3761041 (VCV003761041.2).

ClinVar aggregate classification (germline): Pathogenic (1 of 4 stars; one submission).

Conditions:
Dyskeratosis congenita, autosomal recessive 6 (DKCB6). Identifiers: MedGen C4225356, MONDO:0014600, OMIM 616353.
Pulmonary fibrosis and/or bone marrow failure, Telomere-related, 4. Also called: PULMONARY FIBROSIS AND/OR BONE MARROW FAILURE SYNDROME, TELOMERE-RELATED, 4. Identifiers: Orphanet 2032, MedGen C4225347, MONDO:0014612, OMIM 616371.

Submission:

Labcorp Genetics (formerly Invitae), Labcorp
Classification: Pathogenic for Dyskeratosis congenita, autosomal recessive 6; Pulmonary fibrosis and/or bone marrow failure, Telomere-related, 4. Last evaluated: 2024-07-01. Review status: criteria provided, single submitter. Criteria: Invitae Variant Classification Sherloc (09022015). Collection method: clinical testing. Allele origin: germline.
Comment: This sequence change creates a premature translational stop signal (p.Gln215*) in the PARN gene. It is expected to result in an absent or disrupted protein product. Loss-of-function variants in PARN are known to be pathogenic (PMID: 9736620, 25848748, 26810774). This variant is not present in population databases (gnomAD no frequency). This premature translational stop signal has been observed in individual(s) with nonproteinuric nephropathy (PMID: 29204651). For these reasons, this variant has been classified as Pathogenic.

Literature cited by the submitters: PubMed 9736620; PubMed 25848748; PubMed 26810774; PubMed 29204651.